The following is an entry in ClinVar:

ClinVar aggregate classification (germline): Conflicting classifications of pathogenicity. Review status: criteria provided, conflicting classifications (1 of 4 stars). 2 submissions from 2 submitters: Uncertain significance (1); Likely benign (1). Last evaluated 2026-08-14.

Conditions:
Hereditary cancer-predisposing syndrome. Also called: Hereditary neoplastic syndrome; Neoplastic Syndromes, Hereditary; Tumor predisposition; Hereditary Cancer Syndrome. Identifiers: Orphanet 140162, MedGen C0027672, MeSH D009386, MONDO:0015356.
Hereditary nonpolyposis colorectal neoplasms. Identifiers: MedGen C0009405, MeSH D003123.

Submissions (2):

Ambry Genetics
Classification: Likely benign for Hereditary cancer-predisposing syndrome. Last evaluated: 2026-08-14. Review status: criteria provided, single submitter. Criteria: Ambry Variant Classification Scheme 2023. Collection method: clinical testing. Allele origin: germline.

Labcorp Genetics (formerly Invitae), Labcorp
Classification: Uncertain significance for Hereditary nonpolyposis colorectal neoplasms. Last evaluated: 2024-05-21. Review status: criteria provided, single submitter. Criteria: Invitae Variant Classification Sherloc (09022015). Collection method: clinical testing. Allele origin: germline.
Comment: This sequence change replaces glutamine, which is neutral and polar, with histidine, which is basic and polar, at codon 536 of the PMS2 protein (p.Gln536His). This variant is not present in population databases (gnomAD no frequency). This variant has not been reported in the literature in individuals affected with PMS2-related conditions. Advanced modeling of protein sequence and biophysical properties (such as structural, functional, and spatial information, amino acid conservation, physicochemical variation, residue mobility, and thermodynamic stability) performed at Invitae indicates that this missense variant is not expected to disrupt PMS2 protein function with a negative predictive value of 95%. In summary, the available evidence is currently insufficient to determine the role of this variant in disease. Therefore, it has been classified as a Variant of Uncertain Significance.

NM_000535.7(PMS2):c.1608G>C (p.Gln536His)

Gene: PMS2 (PMS1 homolog 2, mismatch repair system component; minus strand). Cytogenetic location: 7p22.1.
Variant type: single nucleotide variant.
Coding change: c.1608G>C on transcript NM_000535.7 (MANE Select); coding-DNA position 1608, G replaced by C.
Protein change: p.Gln536His; replaces glutamine 536 with histidine.
Molecular consequence: missense variant. On other transcripts: non-coding transcript variant (1), intron variant (1).
Genome position (GRCh38, 1-based): chr7:5,987,157, C>G on the plus strand (G>C on the coding strand, the complement: PMS2 is on the minus strand). VCF-style: chr7-5987157-C-G. GRCh37 (hg19) VCF-style: chr7-6026788-C-G.
Other names: c.1290G>C, p.Gln430His (NM_001406876.1, NM_001406883.1, NM_001406903.1 and 2 more transcripts); c.1299G>C, p.Gln433His (NM_001406877.1, NM_001406878.1, NM_001406879.1 and 5 more transcripts); c.1284G>C, p.Gln428His (NM_001406884.1); c.1203G>C, p.Gln401His (NM_001406895.1, NM_001406896.1, NM_001406897.1 and 16 more transcripts); c.1143G>C, p.Gln381His (NM_001406900.1); c.1134G>C, p.Gln378His (NM_001406901.1, NM_001406902.1); c.1095G>C, p.Gln365His (NM_001406904.1, NM_001406905.1); c.1047G>C, p.Gln349His (NM_001406906.1, NM_001406907.1, NM_001322010.2); and 13 more; short protein forms Q225H, Q349H, Q428H, Q470H, Q598H, Q345H, Q424H, Q480H.
Identifiers: ClinVar variation 3636710 (VCV003636710.4).